The following is an entry in ClinVar:

NM_145239.3(PRRT2):c.*11C>T

Genes: MVP-DT (MVP divergent transcript; minus strand), PRRT2 (proline rich transmembrane protein 2; plus strand). Cytogenetic location: 16p11.2.
Variant type: single nucleotide variant.
Coding change: c.*11C>T on transcript NM_145239.3 (MANE Select); 11 bases downstream of the stop codon, C replaced by T.
Molecular consequence: 3 prime UTR variant.
Genome position (GRCh38, 1-based): chr16:29,814,649, C>T. VCF-style: chr16-29814649-C-T. GRCh37 (hg19) VCF-style: chr16-29825970-C-T.
Other names: c.*11C>T (NM_001256442.2); c.*695C>T (NM_001256443.2).
Identifiers: ClinVar variation 378434 (VCV000378434.1), dbSNP rs201814968, ClinGen allele CA7994675.

ClinVar aggregate classification (germline): Benign (1 of 4 stars; one submission).

Allele frequency attached by ClinVar (database versions not stated): gnomAD exomes 0.00001; TOPMed 0.00008; gnomAD 0.00025; 1000 Genomes Project 30x 0.00047; 1000 Genomes Project 0.00060.

Submission:

GeneDx
Classification: Benign. Last evaluated: 2015-07-23. Review status: criteria provided, single submitter. Criteria: GeneDx Variant Classification (06012015). Collection method: clinical testing. Allele origin: germline. Affected: yes.
Comment: This variant is considered likely benign or benign based on one or more of the following criteria: it is a conservative change, it occurs at a poorly conserved position in the protein, it is predicted to be benign by multiple in silico algorithms, and/or has population frequency not consistent with disease.